The following is an entry in ClinVar:

ClinVar aggregate classification (germline): Pathogenic (1 of 4 stars; one submission).

Conditions:
Hypogonadotropic hypogonadism 2 with or without anosmia (HH2). Also called: HYPOGONADOTROPIC HYPOGONADISM 2 WITH OR WITHOUT ANOSMIA, SUSCEPTIBILITY TO; HYPOGONADOTROPIC HYPOGONADISM 2 WITHOUT ANOSMIA, SUSCEPTIBILITY TO; FGFR1-Related GnRH Deficiency (Kallmann Syndrome 2); HYPOGONADOTROPIC HYPOGONADISM 2 WITHOUT ANOSMIA. Identifiers: Orphanet 478, MedGen C1563720, MONDO:0007844, OMIM 147950. Disease mechanism: loss of function.
Pfeiffer syndrome (ACS5). Also called: ACS V. Identifiers: Orphanet 710, MedGen C0220658, MONDO:0007043, OMIM 101600.

Submission:

Labcorp Genetics (formerly Invitae), Labcorp
Classification: Pathogenic for Pfeiffer syndrome; Hypogonadotropic hypogonadism 2 with or without anosmia. Last evaluated: 2023-12-23. Review status: criteria provided, single submitter. Criteria: Invitae Variant Classification Sherloc (09022015). Collection method: clinical testing. Allele origin: germline.
Comment: This sequence change creates a premature translational stop signal (p.Ile545Serfs*88) in the FGFR1 gene. It is expected to result in an absent or disrupted protein product. Loss-of-function variants in FGFR1 are known to be pathogenic (PMID: 12627230). This variant is not present in population databases (gnomAD no frequency). This variant has not been reported in the literature in individuals affected with FGFR1-related conditions. For these reasons, this variant has been classified as Pathogenic.

Literature cited by the submitters: PubMed 12627230.

NM_023110.3(FGFR1):c.1631_1632dup (p.Ile545fs)

Gene: FGFR1 (fibroblast growth factor receptor 1; minus strand). Cytogenetic location: 8p11.23.
Variant type: Duplication.
Coding change: c.1631_1632dup on transcript NM_023110.3 (MANE Select); coding-DNA positions 1631 to 1632, 2 bases duplicated (TC; older notation c.1631_1632dupTC).
Protein change: p.Ile545fs; shifts the reading frame from isoleucine 545.
Molecular consequence: frameshift variant.
Genome position (GRCh38, 1-based): chr8:38,417,337-38,417,338, GA duplicated on the plus strand (TC on the coding strand, the reverse complement: FGFR1 is on the minus strand). VCF-style (leftmost placement, unchanged base first): chr8-38417336-T-TGA. GRCh37 (hg19) VCF-style: chr8-38274854-T-TGA.
Other names: c.1631_1632dup, p.Ile545Serfs (NM_000604.2); c.1625_1626dup, p.Ile543fs (NM_001174063.2, NM_001174065.2, NM_001354367.2 and 1 more transcripts); c.1601_1602dup, p.Ile535fs (NM_001174064.2); c.1364_1365dup, p.Ile456fs (NM_001174066.2, NM_023105.3); c.1724_1725dup, p.Ile576fs (NM_001174067.2); c.1352_1353dup, p.Ile452fs (NM_001354368.2); c.1619_1620dup, p.Ile541fs (NM_001354369.2, NM_001410922.1); c.1358_1359dup, p.Ile454fs (NM_001354370.2, NM_023106.3); short protein forms I454fs, I452fs, I535fs, I541fs, I576fs, I456fs, I543fs, I545fs.
Identifiers: ClinVar variation 2921666 (VCV002921666.3), dbSNP rs2536891736, ClinGen allele CA2740094995.